The following is an entry in ClinVar:

NM_000256.3(MYBPC3):c.2374T>C (p.Trp792Arg)

Gene: MYBPC3 (myosin binding protein C3; minus strand). Cytogenetic location: 11p11.2.
Variant type: single nucleotide variant.
Coding change: c.2374T>C on transcript NM_000256.3 (MANE Select); coding-DNA position 2374, T replaced by C.
Protein change: p.Trp792Arg; replaces tryptophan 792 with arginine.
Molecular consequence: missense variant.
Genome position (GRCh38, 1-based): chr11:47,337,729, A>G on the plus strand (T>C on the coding strand, the complement: MYBPC3 is on the minus strand). VCF-style: chr11-47337729-A-G. GRCh37 (hg19) VCF-style: chr11-47359280-A-G.
Other names: short protein forms W792R.
Identifiers: ClinVar variation 36605 (VCV000036605.38), dbSNP rs187830361, ClinGen allele CA012147.
Genomic context (GRCh38, chr11:47,337,729, plus strand): 5'-ATCCGGTGCCCTTGCACTCACCCAGGATGGGCTGCCCGCCATCGTAGGCAGGCGGCTCCC[A>G]CTGTACTGTGCAGGAGTCCTCTCCCACGTTGCTGATCTTGGGGGCCGCAGGTGCGTCTGG-3'
Protein context (NP_000247.2, residues 782-802): NVGEDSCTVQ[Trp792Arg]EPPAYDGGQP

ClinVar aggregate classification (germline): Pathogenic/Likely pathogenic. Review status: criteria provided, multiple submitters, no conflicts (2 of 4 stars). 13 submissions from 13 submitters: Pathogenic (8); Likely pathogenic (4). 1 of the submissions does not count toward it. Last evaluated 2026-03-08.

Conditions:
MYBPC3-related disorder. Also called: MYBPC3-related disorders; MYBPC3-related condition; MYBPC3-related disease.
Cardiovascular phenotype. Identifiers: MedGen CN230736.
Left ventricular noncompaction 10 (LVNC10). Identifiers: Orphanet 154, Orphanet 54260, MedGen C3715165, MONDO:0014163, OMIM 615396.
Hypertrophic cardiomyopathy 4. Also called: Familial hypertrophic cardiomyopathy 4. Identifiers: MedGen C1861862, MONDO:0007268, OMIM 115197.
Primary familial hypertrophic cardiomyopathy (HCM). Identifiers: Orphanet 99739, MedGen C0949658, MeSH D024741, MONDO:0024573. Inheritance: Various modes of inheritance.
Hypertrophic cardiomyopathy. Also called: HYPERTROPHIC MYOCARDIOPATHY. Identifiers: Orphanet 217569, MedGen C0007194, MeSH D002312, MONDO:0005045, HP:0001639.

Allele frequency attached by ClinVar (database versions not stated): ExAC below 0.00001; gnomAD exomes below 0.00001; gnomAD 0.00002; TOPMed 0.00002; ESP Exome Variant Server 0.00008.
gnomAD v4.1: 7 of 1,563,840 alleles (0.00045%); highest among the groups gnomAD compares: Non-Finnish European, 0.00052%; no homozygotes.

Submissions 1 to 6 of 13:

PreventionGenetics, part of Exact Sciences
Classification: Pathogenic for MYBPC3-related condition. Last evaluated: 2026-03-08. Review status: criteria provided, single submitter. Criteria: ACMG Guidelines, 2015. Collection method: clinical testing. Allele origin: germline.
Comment: The MYBPC3 c.2374T>C variant is predicted to result in the amino acid substitution p.Trp792Arg. This variant has been reported in many unrelated individuals with hypertrophic cardiomyopathy (HCM; Van Driest et al. 2004. PubMed ID: 15519027; Theis et al. 2009. PubMed ID: 19808356; Table S1, Bos et al. 2014. PubMed ID: 24793961; Table S7, Alfares et al. 2015. PubMed ID: 25611685; Table S3, Helms et al. 2020. PubMed ID: 32841044). This variant has also been reported in a young adult who experienced sudden unexplained death (SUD; Anderson et al. 2016. PubMed ID: 27114410). In vitro studies have demonstrated that this variant leads to protein instability, increased degradation, and reduced protein expression causing abnormal contractility and impaired heart function (Smelter et al. 2018. PubMed ID: 29451820; Helms et al. 2020. PubMed ID: 32841044). Additional in vivo studies using a knock-in mouse model found that mice homozygous for the p.Trp792Arg variant developed a severe HCM phenotype leading to early lethality. However, heterozygous mice from the same study were healthy and did not exhibit any structural or functional cardiac abnormalities (Mertens et al. 2024. PubMed ID: 39059462). To our knowledge, this variant has not been reported in a large population database (gnomAD), indicating this variant is rare. Taken together, the p.Trp792Arg variant is interpreted as pathogenic.

Labcorp Genetics (formerly Invitae), Labcorp
Classification: Pathogenic for Hypertrophic cardiomyopathy. Last evaluated: 2025-12-13. Review status: criteria provided, single submitter. Criteria: Invitae Variant Classification Sherloc (09022015). Collection method: clinical testing. Allele origin: germline.
Comment: This sequence change replaces tryptophan, which is neutral and slightly polar, with arginine, which is basic and polar, at codon 792 of the MYBPC3 protein (p.Trp792Arg). This variant is not present in population databases (gnomAD no frequency). This missense change has been observed in individuals with hypertropic cardiomyopathy (PMID: 15519027, 19808356, 23074333, 24793961, 27532257). ClinVar contains an entry for this variant (Variation ID: 36605). An algorithm developed specifically for the MYBPC3 gene suggests that this missense change is likely to be deleterious (PMID: 21310275). For these reasons, this variant has been classified as Pathogenic.

Ambry Genetics
Classification: Likely pathogenic for Cardiovascular phenotype. Last evaluated: 2025-11-03. Review status: criteria provided, single submitter. Criteria: Ambry Variant Classification Scheme 2023. Collection method: clinical testing. Allele origin: germline.
Comment: The p.W792R variant (also known as c.2374T>C), located in coding exon 24 of the MYBPC3 gene, results from a T to C substitution at nucleotide position 2374. The tryptophan at codon 792 is replaced by arginine, an amino acid with dissimilar properties. This alteration has been reported in multiple individuals from hypertrophic cardiomyopathy cohorts (Van Driest SL et al. J. Am. Coll. Cardiol. 2004 Nov; 44: 1903-10; Theis JL et al. Circ Heart Fail 2009 Jul;2:325-33; Bos JM et al. Mayo Clin. Proc. 2014 Jun;89:727-37; Murphy SL et al. J Cardiovasc Transl Res 2016 Apr;9:153-61; Walsh R et al. Genet. Med., 2017 Feb;19:192-203). One study indicated this variant may result in protein destabilization and degradation (Smelter DF. Am. J. Physiol. Heart Circ. Physiol. 2018 06;314(6):H1179-H1191). This amino acid position is highly conserved in available vertebrate species. In addition, this alteration is predicted to be deleterious by in silico analysis. This variant is considered to be rare based on population cohorts in the Genome Aggregation Database (gnomAD). Based on the majority of available evidence to date, this variant is likely to be pathogenic.

All of Us Research Program, National Institutes of Health
Classification: Likely pathogenic for Hypertrophic cardiomyopathy. Last evaluated: 2024-09-03. Review status: criteria provided, single submitter. Criteria: ACMG Guidelines, 2015. Collection method: clinical testing. Allele origin: germline. Inheritance: Autosomal dominant inheritance. Observed: 2 variant alleles, 2 heterozygotes.
Comment: The c.2374T>C (p.Trp792Arg) variant of the MYBPC3 gene replaces tryptophane with arginine at codon 792 of the MYBPC3 protein. This variant has been reported in multiple unrelated individuals affected with hypertrophic cardiomyopathy (PMID: 15519027, 19808356, 24793961, 25611685, 27532257). Functional studies in mouse cardiomyocytes have shown that this variant results in reduced protein expression due to destabilized C6 FnIII domain of cMyBP-C (PMID: 29451820). This variant has been identified in 7/1563840 chromosomes in the general population by the Genome Aggregation Database (gnomAD, v4.1.0). Computational prediction suggests that this variant may impact protein structure and function (REVEL score 0.886). Based on these evidence, the c.2374T>C (p.Trp792Arg) variant in the MYBPC3 gene is interpreted as likely pathogenic.

This study involves interpretation of variants in research participants for the purpose of population health screening. Participant phenotype was not available at the time of variant classification. Additional details can be found in publication PMID: 35346344, PMCID: PMC8962531

Mayo Clinic Laboratories, Mayo Clinic
Classification: Pathogenic. Last evaluated: 2024-06-05. Review status: criteria provided, single submitter. Criteria: ACMG Guidelines, 2015. Collection method: clinical testing. Allele origin: germline. Observed: 1 variant allele.
Comment: PP3, PM2, PS3, PS4

ARUP Laboratories, Molecular Genetics and Genomics, ARUP Laboratories
Classification: Pathogenic. Last evaluated: 2024-05-14. Review status: criteria provided, single submitter. Criteria: ARUP Molecular Germline Variant Investigation Process 2024. Collection method: clinical testing. Allele origin: germline.
Comment: The MYBPC3 c.2374T>C; p.Trp792Arg variant (rs187830361) is reported in the literature in numerous individuals affected with hypertrophic cardiomyopathy (Bos 2014, Murphy 2014, Pan 2012, Theis 2009, Walsh 2017, Van Driest 2004). This variant is only observed on one allele in the Genome Aggregation Database (v2.1.1), indicating it is not a common polymorphism. This variant is reported in ClinVar (Variation ID: 36605), and at least one study reported that this variant was overrepresented in individuals with HCM compared to general population controls (Bos 2014). The tryptophan at codon 792 is highly conserved, and computational analyses predict that this variant is deleterious (REVEL: 0.886). Consistent with predictions, functional studies of the variant protein suggest it may lead to instability, as the variant protein occurs at lower levels in cells and exhibits an increased rate of degradation compared to wildtype MYBPC3 (Helms 2020, Smelter 2018). Based on available information, this variant is considered to be pathogenic. References: Bos JM et al. Characterization of a phenotype-based genetic test prediction score for unrelated patients with hypertrophic cardiomyopathy. Mayo Clin Proc. 2014 Jun;89(6):727-37. PMID: 24793961 Helms AS et al. Spatial and Functional Distribution of MYBPC3 Pathogenic Variants and Clinical Outcomes in Patients With Hypertrophic Cardiomyopathy. Circ Genom Precis Med. 2020 Oct;13(5):396-405. PMID: 32841044 Murphy SL et al. Evaluation of the Mayo Clinic Phenotype-Based Genotype Predictor Score in Patients with Clinically Diagnosed Hypertrophic Cardiomyopathy. J Cardiovasc Transl Res. 2016 Apr;9(2):153-61. PMID: 26914223 Pan S et al. Cardiac structural and sarcomere genes associated with cardiomyopathy exhibit marked intolerance of genetic variation. Circ Cardiovasc Genet. 2012 Dec;5(6):602-10. PMID: 23074333 Smelter DF et al. The HCM-linked W792R mutation in cardiac myosin-binding protein C reduces C6 FnIII domain stability. Am J Physiol Heart Circ Physiol. 2018 Jun 1;314(6):H1179-H1191. PMID: 29451820 Theis JL et al. Expression patterns of cardiac myofilament proteins: genomic and protein analysis of surgical myectomy tissue from patients with obstructive hypertrophic cardiomyopathy. Circ Heart Fail. 2009 Jul;2(4):325-33. PMID: 19808356 Walsh R et al. Reassessment of Mendelian gene pathogenicity using 7,855 cardiomyopathy cases and 60,706 reference samples. Genet Med. 2017 Feb;19(2):192-203. PMID: 27532257 Van Driest SL et al. Myosin binding protein C mutations and compound heterozygosity in hypertrophic cardiomyopathy. J Am Coll Cardiol. 2004 Nov 2;44(9):1903-10. PMID: 15519027